The following is an entry in ClinVar:

NM_000760.4(CSF3R):c.854T>G (p.Leu285Arg)

Gene: CSF3R (colony stimulating factor 3 receptor; minus strand). Cytogenetic location: 1p34.3.
Variant type: single nucleotide variant.
Coding change: c.854T>G on transcript NM_000760.4 (MANE Select); coding-DNA position 854, T replaced by G.
Protein change: p.Leu285Arg; replaces leucine 285 with arginine.
Molecular consequence: missense variant.
Genome position (GRCh38, 1-based): chr1:36,472,381, A>C on the plus strand (T>G on the coding strand, the complement: CSF3R is on the minus strand). VCF-style: chr1-36472381-A-C. GRCh37 (hg19) VCF-style: chr1-36937982-A-C.
Other names: c.854T>G, p.Leu285Arg (NM_156039.3, NM_172313.3); short protein forms L285R.
Identifiers: ClinVar variation 4767221 (VCV004767221.1).

ClinVar aggregate classification (germline): Uncertain significance (1 of 4 stars; one submission).

Conditions:
Autosomal recessive severe congenital neutropenia due to CSF3R deficiency. Also called: Neutropenia, severe congenital, 7, autosomal recessive. Identifiers: Orphanet 420702, MedGen C4310764, MONDO:0014865, OMIM 617014.

gnomAD v4.1: 7 of 1,613,862 alleles (0.00043%); highest among the groups gnomAD compares: Non-Finnish European, 0.00059%; no homozygotes.

Submission:

Labcorp Genetics (formerly Invitae), Labcorp
Classification: Uncertain significance for Autosomal recessive severe congenital neutropenia due to CSF3R deficiency. Last evaluated: 2025-10-07. Review status: criteria provided, single submitter. Criteria: Invitae Variant Classification Sherloc (09022015). Collection method: clinical testing. Allele origin: germline.
Comment: This sequence change replaces leucine, which is neutral and non-polar, with arginine, which is basic and polar, at codon 285 of the CSF3R protein (p.Leu285Arg). This variant is not present in population databases (gnomAD no frequency). This variant has not been reported in the literature in individuals affected with CSF3R-related conditions. Invitae Evidence Modeling of protein sequence and biophysical properties (such as structural, functional, and spatial information, amino acid conservation, physicochemical variation, residue mobility, and thermodynamic stability) indicates that this missense variant is not expected to disrupt CSF3R protein function with a negative predictive value of 80%. In summary, the available evidence is currently insufficient to determine the role of this variant in disease. Therefore, it has been classified as a Variant of Uncertain Significance.